The following is an entry in ClinVar:

NM_152305.3(POGLUT1):c.853C>A (p.Leu285Met)

Gene: POGLUT1 (protein O-glucosyltransferase 1; plus strand). Cytogenetic location: 3q13.33.
Variant type: single nucleotide variant.
Coding change: c.853C>A on transcript NM_152305.3 (MANE Select); coding-DNA position 853, C replaced by A.
Protein change: p.Leu285Met; replaces leucine 285 with methionine.
Molecular consequence: missense variant. On other transcripts: non-coding transcript variant (1).
Genome position (GRCh38, 1-based): chr3:119,490,606, C>A. VCF-style: chr3-119490606-C-A. GRCh37 (hg19) VCF-style: chr3-119209453-C-A.
Other names: c.853C>A (NM_152305.2); c.853C>A, p.Leu285Met (NM_020231.3); short protein forms L285M.
Identifiers: ClinVar variation 3016409 (VCV003016409.4), dbSNP rs1168619200, ClinGen allele CA354047204.

ClinVar aggregate classification (germline): Uncertain significance. Review status: criteria provided, multiple submitters, no conflicts (2 of 4 stars). 2 submissions from 2 submitters: Uncertain significance (2). Last evaluated 2024-02-02.

Conditions:
Inborn genetic diseases. Identifiers: MedGen C0950123, MeSH D030342.

Allele frequency attached by ClinVar (database versions not stated): gnomAD 0.00001; gnomAD exomes 0.00001.
gnomAD v4.1: 10 of 1,613,966 alleles (0.00062%); highest among the groups gnomAD compares: Non-Finnish European, 0.00085%; no homozygotes.

Submissions (2):

Ambry Genetics
Classification: Uncertain significance for Inborn genetic diseases. Last evaluated: 2024-02-02. Review status: criteria provided, single submitter. Criteria: Ambry Variant Classification Scheme 2023. Collection method: clinical testing. Allele origin: germline.

Labcorp Genetics (formerly Invitae), Labcorp
Classification: Uncertain significance. Last evaluated: 2023-12-30. Review status: criteria provided, single submitter. Criteria: Invitae Variant Classification Sherloc (09022015). Collection method: clinical testing. Allele origin: germline.
Comment: This sequence change replaces leucine, which is neutral and non-polar, with methionine, which is neutral and non-polar, at codon 285 of the POGLUT1 protein (p.Leu285Met). This variant is present in population databases (no rsID available, gnomAD 0.002%). This variant has not been reported in the literature in individuals affected with POGLUT1-related conditions. Advanced modeling of protein sequence and biophysical properties (such as structural, functional, and spatial information, amino acid conservation, physicochemical variation, residue mobility, and thermodynamic stability) performed at Invitae indicates that this missense variant is not expected to disrupt POGLUT1 protein function with a negative predictive value of 80%. In summary, the available evidence is currently insufficient to determine the role of this variant in disease. Therefore, it has been classified as a Variant of Uncertain Significance.